The following is an entry in ClinVar:

ClinVar aggregate classification (germline): Uncertain significance (1 of 4 stars; one submission).

Conditions:
Juvenile onset Parkinson disease 19A. Also called: PARK19; DNAJC6 Parkinson Disease. Identifiers: Orphanet 391411, MedGen C3809811, MONDO:0014231, OMIM 615528.

Submission:

Labcorp Genetics (formerly Invitae), Labcorp
Classification: Uncertain significance for Juvenile onset Parkinson disease 19A. Last evaluated: 2022-02-19. Review status: criteria provided, single submitter. Criteria: Invitae Variant Classification Sherloc (09022015). Collection method: clinical testing. Allele origin: germline.
Comment: This variant is not present in population databases (gnomAD no frequency). In summary, the available evidence is currently insufficient to determine the role of this variant in disease. Therefore, it has been classified as a Variant of Uncertain Significance. Algorithms developed to predict the effect of missense changes on protein structure and function output the following: SIFT: "Tolerated"; PolyPhen-2: "Benign"; Align-GVGD: "Class C0". The valine amino acid residue is found in multiple mammalian species, which suggests that this missense change does not adversely affect protein function. This variant has not been reported in the literature in individuals affected with DNAJC6-related conditions. This sequence change replaces alanine, which is neutral and non-polar, with valine, which is neutral and non-polar, at codon 43 of the DNAJC6 protein (p.Ala43Val).

NM_001256864.2(DNAJC6):c.128C>T (p.Ala43Val)

Gene: DNAJC6 (DnaJ heat shock protein family (Hsp40) member C6; plus strand). Cytogenetic location: 1p31.3.
Variant type: single nucleotide variant.
Coding change: c.128C>T on transcript NM_001256864.2 (MANE Select); coding-DNA position 128, C replaced by T.
Protein change: p.Ala43Val; replaces alanine 43 with valine.
Molecular consequence: missense variant. On other transcripts: intron variant (2).
Genome position (GRCh38, 1-based): chr1:65,309,873, C>T. VCF-style: chr1-65309873-C-T. GRCh37 (hg19) VCF-style: chr1-65775556-C-T.
Other names: c.-130-35738C>T (NM_001256865.2); c.22+44941C>T (NM_014787.4); short protein forms A43V.
Identifiers: ClinVar variation 2099272 (VCV002099272.4), dbSNP rs2524934975, ClinGen allele CA340663320.